The following is an entry in ClinVar:

NM_000287.4(PEX6):c.1202T>A (p.Leu401Ter)

Gene: PEX6 (peroxisomal biogenesis factor 6; minus strand). Cytogenetic location: 6p21.1.
Variant type: single nucleotide variant.
Coding change: c.1202T>A on transcript NM_000287.4 (MANE Select); coding-DNA position 1202, T replaced by A.
Protein change: p.Leu401Ter; replaces leucine 401 with a stop codon.
Molecular consequence: nonsense. On other transcripts: non-coding transcript variant (1).
Genome position (GRCh38, 1-based): chr6:42,969,916, A>T on the plus strand (T>A on the coding strand, the complement: PEX6 is on the minus strand). VCF-style: chr6-42969916-A-T. GRCh37 (hg19) VCF-style: chr6-42937654-A-T.
Other names: c.938T>A, p.Leu313Ter (NM_001316313.2); short protein forms L401*, L313*.
Identifiers: ClinVar variation 290377 (VCV000290377.11), dbSNP rs886044436, ClinGen allele CA10606756.
Genomic context (GRCh38, chr6:42,969,916, plus strand): 5'-CTGGTCTACACCCATCCTTGGGGCCTCACCATGTACAAGGAGGTATGGGTGGTGTCGGCC[A>T]AGTAGGCACTGGCTGGTCCATCTGGAGCTTCCCCAACTGTTTTCTTCACTTTAAAAAACA-3'

ClinVar aggregate classification (germline): Pathogenic/Likely pathogenic. Review status: criteria provided, multiple submitters, no conflicts (2 of 4 stars). 3 submissions from 3 submitters: Pathogenic (2); Likely pathogenic (1). Last evaluated 2023-07-09.

Conditions:
Heimler syndrome 2 (HMLR2). Also called: PEROXISOME BIOGENESIS DISORDER 4C. Identifiers: Orphanet 3220, MedGen C4225267, OMIM 616617, MONDO:0014709.
Peroxisome biogenesis disorder. Identifiers: Orphanet 79189, MedGen C1832200, MONDO:0019234. Disease mechanism: loss of function.

Submissions (3):

Labcorp Genetics (formerly Invitae), Labcorp
Classification: Pathogenic for Peroxisome biogenesis disorder. Last evaluated: 2023-07-09. Review status: criteria provided, single submitter. Criteria: Invitae Variant Classification Sherloc (09022015). Collection method: clinical testing. Allele origin: germline.
Comment: This sequence change creates a premature translational stop signal (p.Leu401*) in the PEX6 gene. It is expected to result in an absent or disrupted protein product. Loss-of-function variants in PEX6 are known to be pathogenic (PMID: 8670792, 19877282, 21031596). This variant is not present in population databases (gnomAD no frequency). This variant has not been reported in the literature in individuals affected with PEX6-related conditions. ClinVar contains an entry for this variant (Variation ID: 290377). For these reasons, this variant has been classified as Pathogenic.

Baylor Genetics
Classification: Likely pathogenic for Heimler syndrome 2. Last evaluated: 2022-06-30. Review status: criteria provided, single submitter. Criteria: ACMG Guidelines, 2015. Collection method: clinical testing. Allele origin: unknown.

Eurofins Ntd Llc (ga)
Classification: Pathogenic. Last evaluated: 2016-08-11. Review status: criteria provided, single submitter. Criteria: EGL Classification Definitions 2015. Collection method: clinical testing. Allele origin: germline. Observed: 1 variant allele, 1 heterozygote.

Literature cited by the submitters: PubMed 8670792 (cited by Labcorp Genetics (formerly Invitae), Labcorp); PubMed 19877282 (cited by Labcorp Genetics (formerly Invitae), Labcorp); PubMed 21031596 (cited by Labcorp Genetics (formerly Invitae), Labcorp).